The following is an entry in ClinVar:

ClinVar aggregate classification (germline): Likely benign (0 of 4 stars; one submission).

Conditions:
SYNRG-related disorder. Also called: SYNRG-related condition.

Allele frequency attached by ClinVar (database versions not stated): 1000 Genomes Project 0.00100; 1000 Genomes Project 30x 0.00109; ExAC 0.00378; gnomAD 0.00437; TOPMed 0.00473; ESP Exome Variant Server 0.00538; gnomAD exomes 0.00663.
gnomAD v4.1: 10,288 of 1,613,796 alleles (0.64%); highest among the groups gnomAD compares: Non-Finnish European, 0.8%; 44 homozygotes.

Submission:

PreventionGenetics, part of Exact Sciences
Classification: Likely benign for SYNRG-related condition. Last evaluated: 2019-05-21. Review status: no assertion criteria provided. Collection method: clinical testing. Allele origin: germline.
Comment: This variant is classified as likely benign based on ACMG/AMP sequence variant interpretation guidelines (Richards et al. 2015 PMID: 25741868, with internal and published modifications).

NM_007247.6(SYNRG):c.544G>A (p.Asp182Asn)

Gene: SYNRG (synergin gamma; minus strand). Cytogenetic location: 17q12.
Variant type: single nucleotide variant.
Coding change: c.544G>A on transcript NM_007247.6 (MANE Select); coding-DNA position 544, G replaced by A.
Protein change: p.Asp182Asn; replaces aspartic acid 182 with asparagine.
Molecular consequence: missense variant.
Genome position (GRCh38, 1-based): chr17:37,584,693, C>T on the plus strand (G>A on the coding strand, the complement: SYNRG is on the minus strand). VCF-style: chr17-37584693-C-T. GRCh37 (hg19) VCF-style: chr17-35944801-C-T.
Other names: c.544G>A, p.Asp182Asn (NM_001163544.3, NM_001163546.3, NM_001163547.3 and 3 more transcripts); c.541G>A, p.Asp181Asn (NM_001163545.3); short protein forms D181N, D182N.
Identifiers: ClinVar variation 3041248 (VCV003041248.2), dbSNP rs148948026, ClinGen allele CA8517914.